The following is an entry in ClinVar:

NM_000553.6(WRN):c.3875C>G (p.Ser1292Cys)

Gene: WRN (WRN RecQ like helicase; plus strand). Cytogenetic location: 8p12.
Variant type: single nucleotide variant.
Coding change: c.3875C>G on transcript NM_000553.6 (MANE Select); coding-DNA position 3875, C replaced by G.
Protein change: p.Ser1292Cys; replaces serine 1292 with cysteine.
Molecular consequence: missense variant.
Genome position (GRCh38, 1-based): chr8:31,157,423, C>G. VCF-style: chr8-31157423-C-G. GRCh37 (hg19) VCF-style: chr8-31014939-C-G.
Other names: short protein forms S1292C.
Identifiers: ClinVar variation 1024451 (VCV001024451.2), dbSNP rs142614369, ClinGen allele CA4705196.

ClinVar aggregate classification (germline): Uncertain significance (1 of 4 stars; one submission).

Conditions:
Werner syndrome (WRN). Identifiers: Orphanet 902, MedGen C0043119, MONDO:0010196, OMIM 277700.

gnomAD v4.1: 5 of 1,614,128 alleles (0.00031%); highest among the groups gnomAD compares: South Asian, 0.0055%; no homozygotes.

Submission:

Labcorp Genetics (formerly Invitae), Labcorp
Classification: Uncertain significance for Werner syndrome. Last evaluated: 2022-08-23. Review status: criteria provided, single submitter. Criteria: Invitae Variant Classification Sherloc (09022015). Collection method: clinical testing. Allele origin: germline.
Comment: This sequence change replaces serine, which is neutral and polar, with cysteine, which is neutral and slightly polar, at codon 1292 of the WRN protein (p.Ser1292Cys). This variant is present in population databases (rs142614369, gnomAD 0.003%). This variant has not been reported in the literature in individuals affected with WRN-related conditions. ClinVar contains an entry for this variant (Variation ID: 1024451). Algorithms developed to predict the effect of missense changes on protein structure and function are either unavailable or do not agree on the potential impact of this missense change (SIFT: "Not Available"; PolyPhen-2: "Benign"; Align-GVGD: "Not Available"). In summary, the available evidence is currently insufficient to determine the role of this variant in disease. Therefore, it has been classified as a Variant of Uncertain Significance.